The following is an entry in ClinVar:

ClinVar aggregate classification (germline): Uncertain significance (1 of 4 stars; one submission).

Conditions:
Cardiovascular phenotype. Identifiers: MedGen CN230736.

Submission:

Ambry Genetics
Classification: Uncertain significance for Cardiovascular phenotype. Last evaluated: 2022-04-03. Review status: criteria provided, single submitter. Criteria: Ambry Variant Classification Scheme 2023. Collection method: clinical testing. Allele origin: germline.
Comment: The p.N75H variant (also known as c.223A>C), located in coding exon 2 of the LMF1 gene, results from an A to C substitution at nucleotide position 223. The asparagine at codon 75 is replaced by histidine, an amino acid with similar properties. This amino acid position is conserved. In addition, this alteration is predicted to be tolerated by in silico analysis. Since supporting evidence is limited at this time, the clinical significance of this alteration remains unclear.

NM_022773.4(LMF1):c.223A>C (p.Asn75His)

Gene: LMF1 (lipase maturation factor 1; minus strand). Cytogenetic location: 16p13.3.
Variant type: single nucleotide variant.
Coding change: c.223A>C on transcript NM_022773.4 (MANE Select); coding-DNA position 223, A replaced by C.
Protein change: p.Asn75His; replaces asparagine 75 with histidine.
Molecular consequence: missense variant. On other transcripts: 5 prime UTR variant (4), non-coding transcript variant (1).
Genome position (GRCh38, 1-based): chr16:954,637, T>G on the plus strand (A>C on the coding strand, the complement: LMF1 is on the minus strand). VCF-style: chr16-954637-T-G. GRCh37 (hg19) VCF-style: chr16-1004637-T-G.
Other names: c.-581A>C (NM_001352017.2); c.-332A>C (NM_001352018.2); c.-105A>C (NM_001352019.2); c.223A>C, p.Asn75His (NM_001352020.1); c.-483A>C (NM_001352021.2); short protein forms N75H.
Identifiers: ClinVar variation 1788234 (VCV001788234.2), dbSNP rs2072624960, ClinGen allele CA394106556.